The following is an entry in ClinVar:

ClinVar aggregate classification (germline): Uncertain significance (1 of 4 stars; one submission).

Submission:

Labcorp Genetics (formerly Invitae), Labcorp
Classification: Uncertain significance. Last evaluated: 2022-04-12. Review status: criteria provided, single submitter. Criteria: Invitae Variant Classification Sherloc (09022015). Collection method: clinical testing. Allele origin: germline.
Comment: This variant is not present in population databases (gnomAD no frequency). This variant has not been reported in the literature in individuals affected with PCLO-related conditions. Algorithms developed to predict the effect of missense changes on protein structure and function are either unavailable or do not agree on the potential impact of this missense change (SIFT: "Deleterious"; PolyPhen-2: "Not Available"; Align-GVGD: "Class C0"). In summary, the available evidence is currently insufficient to determine the role of this variant in disease. Therefore, it has been classified as a Variant of Uncertain Significance. This sequence change replaces leucine, which is neutral and non-polar, with phenylalanine, which is neutral and non-polar, at codon 1785 of the PCLO protein (p.Leu1785Phe).

NM_033026.6(PCLO):c.5355A>T (p.Leu1785Phe)

Gene: PCLO (piccolo presynaptic cytomatrix protein; minus strand). Cytogenetic location: 7q21.11.
Variant type: single nucleotide variant.
Coding change: c.5355A>T on transcript NM_033026.6 (MANE Select); coding-DNA position 5355, A replaced by T.
Protein change: p.Leu1785Phe; replaces leucine 1785 with phenylalanine.
Molecular consequence: missense variant.
Genome position (GRCh38, 1-based): chr7:82,955,598, T>A on the plus strand (A>T on the coding strand, the complement: PCLO is on the minus strand). VCF-style: chr7-82955598-T-A. GRCh37 (hg19) VCF-style: chr7-82584914-T-A.
Other names: c.5355A>T, p.Leu1785Phe (NM_014510.3); short protein forms L1785F.
Identifiers: ClinVar variation 2125047 (VCV002125047.4), dbSNP rs2535707536, ClinGen allele CA367924504.